The following is an entry in ClinVar:

NM_003628.6(PKP4):c.2908A>G (p.Lys970Glu)

Genes: PKP4 (plakophilin 4; plus strand), PKP4-AS1 (PKP4 antisense RNA 1; minus strand). Cytogenetic location: 2q24.1.
Variant type: single nucleotide variant.
Coding change: c.2908A>G on transcript NM_003628.6 (MANE Select); coding-DNA position 2908, A replaced by G.
Protein change: p.Lys970Glu; replaces lysine 970 with glutamic acid.
Molecular consequence: missense variant.
Genome position (GRCh38, 1-based): chr2:158,669,899, A>G. VCF-style: chr2-158669899-A-G. GRCh37 (hg19) VCF-style: chr2-159526411-A-G.
Other names: c.2908A>G, p.Lys970Glu (NM_001005476.4, NM_001377218.1, NM_001377225.1); c.2905A>G, p.Lys969Glu (NM_001304969.3, NM_001377219.1, NM_001377220.1 and 2 more transcripts); c.1879A>G, p.Lys627Glu (NM_001304970.3); c.2902A>G, p.Lys968Glu (NM_001377222.1, NM_001377223.1); c.2899A>G, p.Lys967Glu (NM_001377224.1); short protein forms K970E, K968E, K969E, K627E, K967E.
Identifiers: ClinVar variation 1797527 (VCV001797527.3), dbSNP rs1178977916, ClinGen allele CA348905746.
Genomic context (GRCh38, chr2:158,669,899, plus strand): 5'-ATGGAGAACGCAAAAGCCCTGGCCGACTCAGGAGGCATAGAGAAGCTGGTGAACATAACC[A>G]AAGGCAGGGGCGACAGGCAAGTCTGCGGCAAGGAGGTGCAAGCAGTGCTCTTATTCCTGA-3'
Protein context (NP_003619.2, residues 960-980): GGIEKLVNIT[Lys970Glu]GRGDRSSLKV

ClinVar aggregate classification (germline): Uncertain significance (1 of 4 stars; one submission).

Allele frequency attached by ClinVar (database versions not stated): gnomAD exomes 0.00001.
gnomAD v4.1: 19 of 1,611,558 alleles (0.0012%); highest among the groups gnomAD compares: Non-Finnish European, 0.0016%; no homozygotes.

Submission:

Ambry Genetics
Classification: Uncertain significance. Last evaluated: 2024-06-14. Review status: criteria provided, single submitter. Criteria: Ambry Variant Classification Scheme 2023. Collection method: clinical testing. Allele origin: germline.
Comment: The p.K970E variant (also known as c.2908A>G), located in coding exon 16 of the PKP4 gene, results from an A to G substitution at nucleotide position 2908. The lysine at codon 970 is replaced by glutamic acid, an amino acid with similar properties. This amino acid position is conserved. In addition, the in silico prediction for this alteration is inconclusive. Since supporting evidence is limited at this time, the clinical significance of this alteration remains unclear.